The following is an entry in ClinVar:

ClinVar aggregate classification (germline): Uncertain significance (1 of 4 stars; one submission).

Conditions:
Hereditary cancer-predisposing syndrome. Also called: Tumor predisposition; Hereditary Cancer Syndrome; Neoplastic Syndromes, Hereditary; Hereditary neoplastic syndrome. Identifiers: Orphanet 140162, MedGen C0027672, MeSH D009386, MONDO:0015356.

Submission:

Color Diagnostics, LLC DBA Color Health
Classification: Uncertain significance for Hereditary cancer-predisposing syndrome. Last evaluated: 2025-08-30. Review status: criteria provided, single submitter. Criteria: ACMG Guidelines, 2015. Collection method: clinical testing. Allele origin: germline.
Comment: This variant is located in the 3' untranslated region of the PMS2 gene. To our knowledge, functional studies have not been reported for this variant. This variant has not been reported in individuals affected with PMS2-related disorders in the literature. This variant has not been identified in the general population by the Genome Aggregation Database (gnomAD). The available evidence is insufficient to determine the role of this variant in disease conclusively. Therefore, this variant is classified as a Variant of Uncertain Significance.

NM_000535.7(PMS2):c.*2C>A

Gene: PMS2 (PMS1 homolog 2, mismatch repair system component; minus strand). Cytogenetic location: 7p22.1.
Variant type: single nucleotide variant.
Coding change: c.*2C>A on transcript NM_000535.7 (MANE Select); 2 bases downstream of the stop codon, C replaced by A.
Molecular consequence: 3 prime UTR variant. On other transcripts: non-coding transcript variant (1).
Genome position (GRCh38, 1-based): chr7:5,973,397, G>T on the plus strand (C>A on the coding strand, the complement: PMS2 is on the minus strand). VCF-style: chr7-5973397-G-T. GRCh37 (hg19) VCF-style: chr7-6013028-G-T.
Other names: c.*2C>A (NM_001406878.1, NM_001406879.1, NM_001406880.1 and 56 more transcripts).
Identifiers: ClinVar variation 4756210 (VCV004756210.1).
Genomic context (GRCh38, chr7:5,973,397, plus strand): 5'-ACTCTGTCTTTCAAAACATAAAAATCTGCGATAAAACCAATTATTCCATACAGTGACTAC[G>T]GTCAGTTCTGAGAAATGACACCCAGGTTGGCGATGTGTCTCATGGTTGGCCTTCCATGGG-3'